The following is an entry in ClinVar:

ClinVar aggregate classification (germline): Conflicting classifications of pathogenicity. Review status: criteria provided, conflicting classifications (1 of 4 stars). 2 submissions from 2 submitters: Uncertain significance (1); Likely benign (1). Last evaluated 2026-01-11.

Conditions:
Epilepsy, idiopathic generalized, susceptibility to, 10. Identifiers: MedGen C2751603, MONDO:0013103, OMIM 613060.
Idiopathic generalized epilepsy. Also called: Generalised epilepsy; EIG. Identifiers: MedGen C0270850, MONDO:0005579, OMIM 600669.

Allele frequency attached by ClinVar (database versions not stated): gnomAD exomes 0.00001; gnomAD 0.00003 and 0.00004; TOPMed 0.00006.
gnomAD v4.1: 7 of 1,609,170 alleles (0.00044%); highest among the groups gnomAD compares: African/African-American, 0.0067%; no homozygotes.

Submissions (2):

Labcorp Genetics (formerly Invitae), Labcorp
Classification: Likely benign for Idiopathic generalized epilepsy. Last evaluated: 2026-01-11. Review status: criteria provided, single submitter. Criteria: Invitae Variant Classification Sherloc (09022015). Collection method: clinical testing. Allele origin: germline.

Juno Genomics, Hangzhou Juno Genomics, Inc
Classification: Uncertain significance for Epilepsy, idiopathic generalized, susceptibility to, 10. Review status: criteria provided, single submitter. Criteria: ACMG Guidelines, 2015. Collection method: clinical testing. Allele origin: germline.
Comment: Absent from controls (or at extremely low frequency if recessive) in Genome Aggregation Database.;Multiple lines of computational evidence suggest no impact on gene or gene product.

NM_000815.5(GABRD):c.470+9G>A

Gene: GABRD (gamma-aminobutyric acid type A receptor subunit delta; plus strand). Cytogenetic location: 1p36.33.
Variant type: single nucleotide variant.
Coding change: c.470+9G>A on transcript NM_000815.5 (MANE Select); 9 bases into the intron after coding-DNA position 470, G replaced by A.
Molecular consequence: intron variant.
Genome position (GRCh38, 1-based): chr1:2,025,747, G>A. VCF-style: chr1-2025747-G-A. GRCh37 (hg19) VCF-style: chr1-1957186-G-A.
Identifiers: ClinVar variation 1082483 (VCV001082483.11), dbSNP rs1045485424, ClinGen allele CA16885877.
Genomic context (GRCh38, chr1:2,025,747, plus strand): 5'-AGAACAAGCTCATCCGGCTGCAGCCCGACGGCGTGATCCTGTACAGCATCCGGTGAGCGG[G>A]CTGCCCACCCGGACTCCGGGGGAGAGCCTGCCCGGGCCAAGCGTCGGCGCCTGGACGCTC-3'